The following is an entry in ClinVar:

NM_024422.6(DSC2):c.1436G>A (p.Arg479His)

Gene: DSC2 (desmocollin 2; minus strand). Cytogenetic location: 18q12.1.
Variant type: single nucleotide variant.
Coding change: c.1436G>A on transcript NM_024422.6 (MANE Select); coding-DNA position 1436, G replaced by A.
Protein change: p.Arg479His; replaces arginine 479 with histidine.
Molecular consequence: missense variant.
Genome position (GRCh38, 1-based): chr18:31,080,180, C>T on the plus strand (G>A on the coding strand, the complement: DSC2 is on the minus strand). VCF-style: chr18-31080180-C-T. GRCh37 (hg19) VCF-style: chr18-28660146-C-T.
Other names: p.Arg479His; c.1436G>A, p.Arg479His (NM_004949.5); short protein forms R479H.
Identifiers: ClinVar variation 410647 (VCV000410647.13), dbSNP rs774641579, ClinGen allele CA16616043.

ClinVar aggregate classification (germline): Conflicting classifications of pathogenicity. Review status: criteria provided, conflicting classifications (1 of 4 stars). 7 submissions from 6 submitters: Uncertain significance (6); Likely benign (1). Last evaluated 2026-01-07.

Conditions:
Arrhythmogenic right ventricular dysplasia 11. Also called: Arrhythmogenic Right Ventricular Dysplasia/Cardiomyopathy11; ARRHYTHMOGENIC RIGHT VENTRICULAR DYSPLASIA, FAMILIAL, 11; Arrhythmogenic right ventricular dysplasia 11 with mild palmoplantar keratoderma and woolly hair. Identifiers: MedGen C1864850, MONDO:0012506, OMIM 610476.
Cardiovascular phenotype. Identifiers: MedGen CN230736.
Cardiac arrhythmia. Also called: Cardiac rhythm disease; Arrhythmia. Identifiers: MedGen C0003811, MONDO:0007263, HP:0011675.
Familial isolated arrhythmogenic right ventricular dysplasia. Identifiers: Orphanet 217656, MedGen C4274968, MONDO:0016342.
Cardiomyopathy (CMYO). Also called: Cardiomyopathies. Identifiers: Orphanet 167848, MedGen C0878544, MONDO:0004994, HP:0001638. Inheritance: Various modes of inheritance.

Allele frequency attached by ClinVar (database versions not stated): TOPMed 0.00001.
gnomAD v4.1: 7 of 1,613,988 alleles (0.00043%); highest among the groups gnomAD compares: African/African-American, 0.0013%; no homozygotes.

Submissions (7):

Labcorp Genetics (formerly Invitae), Labcorp
Classification: Uncertain significance for Arrhythmogenic right ventricular dysplasia 11. Last evaluated: 2026-01-07. Review status: criteria provided, single submitter. Criteria: Invitae Variant Classification Sherloc (09022015). Collection method: clinical testing. Allele origin: germline.
Comment: This sequence change replaces arginine, which is basic and polar, with histidine, which is basic and polar, at codon 479 of the DSC2 protein (p.Arg479His). This variant is present in population databases (no rsID available, gnomAD 0.0009%). This variant has not been reported in the literature in individuals affected with DSC2-related conditions. ClinVar contains an entry for this variant (Variation ID: 410647). Invitae Evidence Modeling of protein sequence and biophysical properties (such as structural, functional, and spatial information, amino acid conservation, physicochemical variation, residue mobility, and thermodynamic stability) indicates that this missense variant is not expected to disrupt DSC2 protein function with a negative predictive value of 80%. In summary, the available evidence is currently insufficient to determine the role of this variant in disease. Therefore, it has been classified as a Variant of Uncertain Significance.

Petrovsky National Research Centre of Surgery, The Federal Agency for Scientific Organizations
Classification: Uncertain significance for Cardiac arrhythmia. Last evaluated: 2025-11-18. Review status: criteria provided, single submitter. Criteria: ACMG Guidelines, 2015. Collection method: clinical testing. Allele origin: germline. Affected: yes. Observed: 1 variant allele.
Comment: The variant is present in The Genome Aggregation Database (gnomAD) v4.1.0 with a total MAF of 0.000004337. In accordance with ACMG (2015) criteria, this variant is classified as Variant of Uncertain Significance (Class III) with the following criteria applied: PM2_moderate, BP4_supporting.

Petrovsky National Research Centre of Surgery, The Federal Agency for Scientific Organizations
Classification: Uncertain significance for Arrhythmogenic right ventricular dysplasia 11. Last evaluated: 2025-10-08. Review status: criteria provided, single submitter. Criteria: ACMG Guidelines, 2015. Collection method: clinical testing. Allele origin: germline. Inheritance: Autosomal dominant inheritance. Affected: yes. Observed: 1 heterozygote.
Comment: The NM_024422.6:c.1436G>A (p.Arg479His) variant is in The Genome Aggregation Database (gnomAD) v4.1.0 with total MAF 0.000004337 (Date of access 08-10-2025). In accordance with ACMG (2015) criteria this variant is classified as Variant of Uncertain Significance (VUS) with following criteria selected: PM2, BP4.

Color Diagnostics, LLC DBA Color Health
Classification: Likely benign for Cardiomyopathy. Last evaluated: 2025-07-25. Review status: criteria provided, single submitter. Criteria: ACMG Guidelines, 2015. Collection method: clinical testing. Allele origin: germline.

Ambry Genetics
Classification: Uncertain significance for Cardiovascular phenotype. Last evaluated: 2025-07-13. Review status: criteria provided, single submitter. Criteria: Ambry Variant Classification Scheme 2023. Collection method: clinical testing. Allele origin: germline.
Comment: The p.R479H variant (also known as c.1436G>A), located in coding exon 10 of the DSC2 gene, results from a G to A substitution at nucleotide position 1436. The arginine at codon 479 is replaced by histidine, an amino acid with highly similar properties. This amino acid position is not well conserved in available vertebrate species. In addition, this alteration is predicted to be tolerated by in silico analysis. Since supporting evidence is limited at this time, the clinical significance of this alteration remains unclear.

All of Us Research Program, National Institutes of Health
Classification: Uncertain significance for Familial isolated arrhythmogenic right ventricular dysplasia. Last evaluated: 2023-11-02. Review status: criteria provided, single submitter. Criteria: ACMG Guidelines, 2015. Collection method: clinical testing. Allele origin: germline. Inheritance: Autosomal dominant inheritance. Observed: 2 variant alleles, 2 heterozygotes.
Comment: This missense variant replaces arginine with histidine at codon 479 of the DSC2 protein. Computational prediction suggests that this variant may not impact protein structure and function (internally defined REVEL score threshold <= 0.5, PMID: 27666373). To our knowledge, functional studies have not been reported for this variant. This variant has not been reported in individuals affected with DSC2-related disorders in the literature. This variant has been identified in 1/251214 chromosomes in the general population by the Genome Aggregation Database (gnomAD). The available evidence is insufficient to determine the role of this variant in disease conclusively. Therefore, this variant is classified as a Variant of Uncertain Significance.

This study involves interpretation of variants in research participants for the purpose of population health screening. Participant phenotype was not available at the time of variant classification. Additional details can be found in publication PMID: 35346344, PMCID: PMC8962531

Women's Health and Genetics/Laboratory Corporation of America, LabCorp
Classification: Uncertain significance. Last evaluated: 2021-11-29. Review status: criteria provided, single submitter. Criteria: LabCorp Variant Classification Summary - May 2015. Collection method: clinical testing. Allele origin: germline.